The following is an entry in ClinVar:

ClinVar aggregate classification (germline): Uncertain significance. Review status: criteria provided, multiple submitters, no conflicts (2 of 4 stars). 2 submissions from 2 submitters: Uncertain significance (2). Last evaluated 2023-08-24.

Conditions:
Oxoglutaricaciduria. Identifiers: Orphanet 31, MedGen C2752074, MONDO:0008759, OMIM 203740.

Allele frequency attached by ClinVar (database versions not stated): gnomAD 0.00002; gnomAD exomes 0.00004; TOPMed 0.00004; ExAC 0.00006.
gnomAD v4.1: 62 of 1,614,002 alleles (0.0038%); highest among the groups gnomAD compares: Admixed American, 0.0067%; no homozygotes.

Submissions (2):

Labcorp Genetics (formerly Invitae), Labcorp
Classification: Uncertain significance for Oxoglutaricaciduria. Last evaluated: 2023-08-24. Review status: criteria provided, single submitter. Criteria: Invitae Variant Classification Sherloc (09022015). Collection method: clinical testing. Allele origin: germline.
Comment: In summary, the available evidence is currently insufficient to determine the role of this variant in disease. Therefore, it has been classified as a Variant of Uncertain Significance. An algorithm developed to predict the effect of missense changes on protein structure and function (PolyPhen-2) suggests that this variant is likely to be tolerated. ClinVar contains an entry for this variant (Variation ID: 1492984). This variant has not been reported in the literature in individuals affected with OGDH-related conditions. This variant is present in population databases (rs752742034, gnomAD 0.009%). This sequence change replaces aspartic acid, which is acidic and polar, with glutamic acid, which is acidic and polar, at codon 811 of the OGDH protein (p.Asp811Glu).

Ambry Genetics
Classification: Uncertain significance. Last evaluated: 2021-10-22. Review status: criteria provided, single submitter. Criteria: Ambry Variant Classification Scheme 2023. Collection method: clinical testing. Allele origin: germline.

NM_002541.4(OGDH):c.2433C>A (p.Asp811Glu)

Gene: OGDH (oxoglutarate dehydrogenase; plus strand). Cytogenetic location: 7p13.
Variant type: single nucleotide variant.
Coding change: c.2433C>A on transcript NM_002541.4 (MANE Select); coding-DNA position 2433, C replaced by A.
Protein change: p.Asp811Glu; replaces aspartic acid 811 with glutamic acid.
Molecular consequence: missense variant.
Genome position (GRCh38, 1-based): chr7:44,700,143, C>A. VCF-style: chr7-44700143-C-A. GRCh37 (hg19) VCF-style: chr7-44739742-C-A.
Other names: c.2433C>A (NM_002541.3); c.2421C>A, p.Asp807Glu (NM_001165036.2); c.2466C>A, p.Asp822Glu (NM_001363523.2); short protein forms D807E, D811E, D822E.
Identifiers: ClinVar variation 1492984 (VCV001492984.7), dbSNP rs752742034, ClinGen allele CA4244107.